The following is an entry in ClinVar:

ClinVar aggregate classification (germline): Uncertain significance. Review status: criteria provided, multiple submitters, no conflicts (2 of 4 stars). 2 submissions from 2 submitters: Uncertain significance (2). Last evaluated 2025-05-23.

Conditions:
Loeys-Dietz syndrome 2 (LDS2). Also called: TGFBR2-Related Loeys-Dietz Syndrome; AORTIC ANEURYSM, FAMILIAL THORACIC 3; MARFAN SYNDROME, TYPE II; Marfan syndrome, type 2 (formerly); Marfan like connective tissue disorder; MFS 2. Identifiers: Orphanet 284973, Orphanet 558, MedGen C2674574, MONDO:0012427, OMIM 610168.

Allele frequency attached by ClinVar (database versions not stated): gnomAD 0.00001; gnomAD exomes 0.00001 and 0.00002; ExAC 0.00002; TOPMed 0.00002.
gnomAD v4.1: 8 of 1,614,064 alleles (0.0005%); highest among the groups gnomAD compares: Admixed American, 0.012%; no homozygotes.

Submissions (2):

Labcorp Genetics (formerly Invitae), Labcorp
Classification: Uncertain significance for Loeys-Dietz syndrome 2. Last evaluated: 2025-05-23. Review status: criteria provided, single submitter. Criteria: Invitae Variant Classification Sherloc (09022015). Collection method: clinical testing. Allele origin: germline.
Comment: This sequence change replaces arginine, which is basic and polar, with glycine, which is neutral and non-polar, at codon 286 of the TMPO protein (p.Arg286Gly). This variant is present in population databases (rs763320036, gnomAD 0.01%). This variant has not been reported in the literature in individuals affected with TMPO-related conditions. ClinVar contains an entry for this variant (Variation ID: 847708). Invitae Evidence Modeling of protein sequence and biophysical properties (such as structural, functional, and spatial information, amino acid conservation, physicochemical variation, residue mobility, and thermodynamic stability) indicates that this missense variant is not expected to disrupt TMPO protein function with a negative predictive value of 80%. In summary, the available evidence is currently insufficient to determine the role of this variant in disease. Therefore, it has been classified as a Variant of Uncertain Significance.

Women's Health and Genetics/Laboratory Corporation of America, LabCorp
Classification: Uncertain significance. Last evaluated: 2023-01-21. Review status: criteria provided, single submitter. Criteria: LabCorp Variant Classification Summary - May 2015. Collection method: clinical testing. Allele origin: germline.

NM_001032283.3(TMPO):c.565+1275A>G

Gene: TMPO (thymopoietin; plus strand). Cytogenetic location: 12q23.1.
Variant type: single nucleotide variant.
Coding change: c.565+1275A>G on transcript NM_001032283.3 (MANE Select); 1275 bases into the intron after coding-DNA position 565, A replaced by G.
Molecular consequence: intron variant. On other transcripts: missense variant (1).
Genome position (GRCh38, 1-based): chr12:98,533,113, A>G. VCF-style: chr12-98533113-A-G. GRCh37 (hg19) VCF-style: chr12-98926891-A-G.
Other names: c.856A>G, p.Arg286Gly (NM_003276.2); c.565+1275A>G (NM_001307975.2, NM_001032284.3); short protein forms R286G.
Identifiers: ClinVar variation 847708 (VCV000847708.13), dbSNP rs763320036, ClinGen allele CA6732300.